The following is an entry in ClinVar:

NM_001375808.2(LPIN2):c.1930G>A (p.Asp644Asn)

Gene: LPIN2 (lipin 2; minus strand). Cytogenetic location: 18p11.31.
Variant type: single nucleotide variant.
Coding change: c.1930G>A on transcript NM_001375808.2 (MANE Select); coding-DNA position 1930, G replaced by A.
Protein change: p.Asp644Asn; replaces aspartic acid 644 with asparagine.
Molecular consequence: missense variant.
Genome position (GRCh38, 1-based): chr18:2,925,232, C>T on the plus strand (G>A on the coding strand, the complement: LPIN2 is on the minus strand). VCF-style: chr18-2925232-C-T. GRCh37 (hg19) VCF-style: chr18-2925230-C-T.
Other names: c.1930G>A, p.Asp644Asn (NM_001375809.1, NM_014646.2); short protein forms D644N.
Identifiers: ClinVar variation 946303 (VCV000946303.10), dbSNP rs779176377, ClinGen allele CA8872918.

ClinVar aggregate classification (germline): Uncertain significance. Review status: criteria provided, multiple submitters, no conflicts (2 of 4 stars). 3 submissions from 3 submitters: Uncertain significance (3). Last evaluated 2021-10-26.

Conditions:
Inborn genetic diseases. Identifiers: MedGen C0950123, MeSH D030342.
Majeed syndrome (MJDS). Also called: LPIN2-Related Majeed Syndrome; CHRONIC RECURRENT MULTIFOCAL OSTEOMYELITIS 1, WITH CONGENITAL DYSERYTHROPOIETIC ANEMIA, WITH OR WITHOUT NEUTROPHILIC DERMATOSIS. Identifiers: Orphanet 77297, MedGen C1864997, MONDO:0012316, OMIM 609628.

Allele frequency attached by ClinVar (database versions not stated): gnomAD exomes below 0.00001 and 0.00001; ExAC 0.00001; gnomAD 0.00001; TOPMed 0.00002.
gnomAD v4.1: 15 of 1,614,056 alleles (0.00093%); highest among the groups gnomAD compares: African/African-American, 0.0013%; no homozygotes.

Submissions (3):

Revvity Omics, Revvity
Classification: Uncertain significance for Majeed syndrome. Last evaluated: 2021-10-26. Review status: criteria provided, single submitter. Criteria: ACMG Guidelines, 2015. Collection method: clinical testing. Allele origin: germline.

Labcorp Genetics (formerly Invitae), Labcorp
Classification: Uncertain significance for Majeed syndrome. Last evaluated: 2021-09-01. Review status: criteria provided, single submitter. Criteria: Invitae Variant Classification Sherloc (09022015). Collection method: clinical testing. Allele origin: germline.
Comment: This sequence change replaces aspartic acid with asparagine at codon 644 of the LPIN2 protein (p.Asp644Asn). The aspartic acid residue is moderately conserved and there is a small physicochemical difference between aspartic acid and asparagine. This variant is present in population databases (rs779176377, ExAC 0.001%). This variant has not been reported in the literature in individuals affected with LPIN2-related conditions. Algorithms developed to predict the effect of missense changes on protein structure and function are either unavailable or do not agree on the potential impact of this missense change (SIFT: "Tolerated"; PolyPhen-2: "Possibly Damaging"; Align-GVGD: "Class C0"). In summary, the available evidence is currently insufficient to determine the role of this variant in disease. Therefore, it has been classified as a Variant of Uncertain Significance.

Ambry Genetics
Classification: Uncertain significance for Inborn genetic diseases. Last evaluated: 2021-07-14. Review status: criteria provided, single submitter. Criteria: Ambry Variant Classification Scheme 2023. Collection method: clinical testing. Allele origin: germline.